The following is an entry in ClinVar:

NM_001267550.2(TTN):c.107911_107912del (p.Leu35971fs)

Genes: TTN (titin; minus strand), TTN-AS1 (TTN antisense RNA 1; plus strand). Cytogenetic location: 2q31.2.
Variant type: Deletion.
Coding change: c.107911_107912del on transcript NM_001267550.2 (MANE Select); coding-DNA positions 107911 to 107912, 2 bases deleted (CT; older notation c.107911_107912delCT).
Protein change: p.Leu35971fs; shifts the reading frame from leucine 35971.
Molecular consequence: frameshift variant.
Genome position (GRCh38, 1-based): chr2:178,527,076-178,527,077, AG deleted on the plus strand (CT on the coding strand, the reverse complement: TTN is on the minus strand). VCF-style (leftmost placement, unchanged base first): chr2-178527075-CAG-C. GRCh37 (hg19) VCF-style: chr2-179391802-CAG-C.
Other names: c.102988_102989del, p.Leu34330fs (NM_001256850.1); c.80716_80717del, p.Leu26906fs (NM_003319.4); c.100207_100208del, p.Leu33403fs (NM_133378.4); c.81091_81092del, p.Leu27031fs (NM_133432.3); c.81292_81293del, p.Leu27098fs (NM_133437.4); short protein forms L27098fs, L27031fs, L35971fs, L26906fs, L33403fs, L34330fs.
Identifiers: ClinVar variation 1368774 (VCV001368774.8), dbSNP rs2154129791, ClinGen allele CA2573134048.

ClinVar aggregate classification (germline): Uncertain significance. Review status: criteria provided, multiple submitters, no conflicts (2 of 4 stars). 2 submissions from 2 submitters: Uncertain significance (2). Last evaluated 2025-12-24.

Conditions:
Dilated cardiomyopathy 1G (CMD1G). Identifiers: Orphanet 154, MedGen C1858763, MONDO:0011400, OMIM 604145.
Autosomal recessive limb-girdle muscular dystrophy type 2J (LGMDR10). Also called: Limb-girdle muscular dystrophy, type 2J; MUSCULAR DYSTROPHY, LIMB-GIRDLE, AUTOSOMAL RECESSIVE 10. Identifiers: Orphanet 140922, MedGen C1837342, MONDO:0012127, OMIM 608807.

Submissions (2):

Dasa
Classification: Uncertain significance for Dilated cardiomyopathy 1G. Last evaluated: 2025-12-24. Review status: criteria provided, single submitter. Criteria: DASA Assertion Criteria. Collection method: clinical testing. Allele origin: germline.
Comment: NM_001267550.2(TTN):c.107911_107912del (p.Leu35971Glufs*5) is a frameshift variant in TTN predicted to alter the reading frame and introduce a premature termination codon and is predicted to result in an absent or altered protein product. This variant is rare in population databases. The currently available literature and clinical evidence are not sufficient to establish a definitive association between this variant and the reported condition. Therefore, this variant is classified as a variant of uncertain significance.

Labcorp Genetics (formerly Invitae), Labcorp
Classification: Uncertain significance for Dilated cardiomyopathy 1G; Autosomal recessive limb-girdle muscular dystrophy type 2J. Last evaluated: 2024-10-17. Review status: criteria provided, single submitter. Criteria: Invitae Variant Classification Sherloc (09022015). Collection method: clinical testing. Allele origin: germline.
Comment: This sequence change creates a premature translational stop signal (p.Leu35971Glufs*5) in the TTN gene. While this is not anticipated to result in nonsense mediated decay, it is expected to create a truncated TTN protein. This variant is not present in population databases (gnomAD no frequency). This variant has not been reported in the literature in individuals affected with TTN-related conditions. ClinVar contains an entry for this variant (Variation ID: 1368774). This variant is located in the M band of TTN (PMID: 25589632). Truncating variants in this region have been previously reported in individuals affected with autosomal dominant or autosomal recessive myopathy and muscular dystrophy (PMID: 18948003, 23975875, 24395473). Truncating variants in this region have also been identified in individuals affected with autosomal dominant dilated cardiomyopathy and/or cardio-related conditions (PMID: 27869827, 32964742, internal data). In summary, the available evidence is currently insufficient to determine the role of this variant in disease. Therefore, it has been classified as a Variant of Uncertain Significance.

Literature cited by the submitters: PubMed 25589632 (cited by Labcorp Genetics (formerly Invitae), Labcorp); PubMed 18948003 (cited by Labcorp Genetics (formerly Invitae), Labcorp); PubMed 23975875 (cited by Labcorp Genetics (formerly Invitae), Labcorp); PubMed 24395473 (cited by Labcorp Genetics (formerly Invitae), Labcorp); PubMed 27869827 (cited by Labcorp Genetics (formerly Invitae), Labcorp); PubMed 32964742 (cited by Labcorp Genetics (formerly Invitae), Labcorp).